The following is an entry in ClinVar:

NM_015046.7(SETX):c.6511G>C (p.Gly2171Arg)

Gene: SETX (senataxin; minus strand). Cytogenetic location: 9q34.13.
Variant type: single nucleotide variant.
Coding change: c.6511G>C on transcript NM_015046.7 (MANE Select); coding-DNA position 6511, G replaced by C.
Protein change: p.Gly2171Arg; replaces glycine 2171 with arginine.
Molecular consequence: missense variant.
Genome position (GRCh38, 1-based): chr9:132,283,299, C>G on the plus strand (G>C on the coding strand, the complement: SETX is on the minus strand). VCF-style: chr9-132283299-C-G. GRCh37 (hg19) VCF-style: chr9-135158686-C-G.
Other names: c.6511G>C, p.Gly2171Arg (NM_001351527.2, NM_001351528.2); short protein forms G2171R.
Identifiers: ClinVar variation 4881489 (VCV004881489.2).
Genomic context (GRCh38, chr9:132,283,299, plus strand): 5'-GTTGTATGGCTGACCGTTCACTGACCTCATCAACAATGACACAGCTGAAGGGGACACCCC[C>G]TTGCCCACGGAAAGCAGACTCAAGTAGTAAACCACCACTTGTGCTCAACGTGCAGCAGAT-3'
Protein context (NP_055861.3, residues 2161-2181): LLLESAFRGQ[Gly2171Arg]GVPFSCVIVD

ClinVar aggregate classification (germline): Uncertain significance (1 of 4 stars; one submission).

Conditions:
Distal spinal muscular atrophy. Also called: Distal hereditary motor neuropathy; Distal hereditary motor neuronopathy. Identifiers: Orphanet 53739, MedGen C0393541, MONDO:0018894.

Submission:

Dasa
Classification: Uncertain significance for distal hereditary motor neuropathy. Last evaluated: 2026-01-22. Review status: criteria provided, single submitter. Criteria: DASA Assertion Criteria. Collection method: clinical testing. Allele origin: germline.
Comment: NM_015046.7(SETX):c.6511G>C (p.Gly2171Arg) is a missense variant that results in the substitution of glycine with arginine. This variant is rare in population databases. Computational prediction algorithms are consistent with a deleterious effect. The currently available literature and clinical evidence are not sufficient to establish a definitive association between this variant and the reported condition. Therefore, this variant is classified as a variant of uncertain significance.